The following is an entry in ClinVar:

ClinVar aggregate classification (germline): Uncertain significance. Review status: criteria provided, multiple submitters, no conflicts (2 of 4 stars). 2 submissions from 2 submitters: Uncertain significance (2). Last evaluated 2024-04-15.

Conditions:
Hereditary cancer-predisposing syndrome. Also called: Tumor predisposition; Neoplastic Syndromes, Hereditary; Hereditary Cancer Syndrome; Hereditary neoplastic syndrome. Identifiers: Orphanet 140162, MedGen C0027672, MeSH D009386, MONDO:0015356.

Submissions (2):

Ambry Genetics
Classification: Uncertain significance for Hereditary cancer-predisposing syndrome. Last evaluated: 2024-04-15. Review status: criteria provided, single submitter. Criteria: Ambry Variant Classification Scheme 2023. Collection method: clinical testing. Allele origin: germline.
Comment: The c.-15_4del19insCGGCCCGGGTGGTCTGGTCTCCG variant (also known as p.M1?), is located upstream of coding exon 1 and continues through the first 4 nucleotides of the coding exon 1 of the VHL gene. This variant results in an in-frame deletion of 19 nucleotides and insertion of 23 nucleotides at positions c.-15 to c.4. This deletes the methionine residue at the initiation codon. Variations that modify the initiation codon (ATG) are expected to result in loss of translation initiation, however, there is an in-frame methionine 54 amino acids downstream which is reported to result in a biologically active isoform known as VHL19 (Iliopoulos O et al. Proc Natl Acad Sci USA.1998 Sep; 95(20):11661-6; Schoenfeld A et al. Proc Natl Acad Sci USA. 1998 Jul; 95(15):8817-22). Since supporting evidence is limited at this time, the clinical significance of this alteration remains unclear.

GeneDx
Classification: Uncertain significance. Last evaluated: 2019-12-19. Review status: criteria provided, single submitter. Criteria: GeneDx Variant Classification Process June 2021. Collection method: clinical testing. Allele origin: germline. Affected: yes.
Comment: Not observed in large population cohorts (Lek et al., 2016); Has not been previously published as pathogenic or benign to our knowledge

NM_000551.4(VHL):c.-15_4delinsCGGCCCGGGTGGTCTGGTCTCCG (p.Met1fs)

Gene: VHL (von Hippel-Lindau tumor suppressor; plus strand). Cytogenetic location: 3p25.3.
Variant type: Indel.
Coding change: c.-15_4delinsCGGCCCGGGTGGTCTGGTCTCCG on transcript NM_000551.4 (MANE Select); 15 bases upstream of the start codon through coding-DNA position 4, TGGATCGCGGAGGGAATGC replaced by CGGCCCGGGTGGTCTGGTCTCCG.
Protein change: p.Met1fs; shifts the reading frame from methionine 1.
Molecular consequence: frameshift variant, initiator codon variant.
Genome position (GRCh38, 1-based): chr3:10,141,833-10,141,851, TGGATCGCGGAGGGAATGC replaced by CGGCCCGGGTGGTCTGGTCTCCG. GRCh37 (hg19): chr3:10,183,517-10,183,535.
Other names: c.-15_4del19insCGGCCCGGGTGGTCTGGTCTCCG (NM_000551.3); c.-15_4delinsCGGCCCGGGTGGTCTGGTCTCCG, p.Met1fs (NM_001354723.2, NM_198156.3); short protein forms M1fs.
Identifiers: ClinVar variation 1311090 (VCV001311090.4), dbSNP rs2125124326, ClinGen allele CA2573052052.